The following is an entry in ClinVar:

ClinVar aggregate classification (germline): Uncertain significance (1 of 4 stars; one submission).

Conditions:
Familial adenomatous polyposis 2. Also called: MYH-associated polyposis; FAP type 2; COLORECTAL ADENOMATOUS POLYPOSIS, AUTOSOMAL RECESSIVE; ADENOMAS, MULTIPLE COLORECTAL, AUTOSOMAL RECESSIVE; MUTYH-related attenuated familial adenomatous polyposis; MUTYH Polyposis. Identifiers: Orphanet 220460, Orphanet 247798, MedGen C3272841, MONDO:0012041, OMIM 608456.

Submission:

Labcorp Genetics (formerly Invitae), Labcorp
Classification: Uncertain significance for Familial adenomatous polyposis 2. Last evaluated: 2019-12-04. Review status: criteria provided, single submitter. Criteria: Invitae Variant Classification Sherloc (09022015). Collection method: clinical testing. Allele origin: germline.
Comment: This variant results in a copy number gain of the genomic region encompassing the full coding sequence of the MUTYH gene. The boundaries of this event are unknown as they extend beyond the assayed region for this gene and therefore may encompass additional genes. As the precise location of this event is unknown, it may be in tandem or it may be located elsewhere in the genome. This variant has not been reported in the literature in individuals with MUTYH-related conditions. ClinVar contains an entry for a similar entire coding sequence copy number gain (Variation ID: 216516). In summary, the available evidence is currently insufficient to determine the role of this variant in disease. Therefore, it has been classified as a Variant of Uncertain Significance.

NC_000001.10:g.(?_45794968)_(45805936_?)dup

Genes: TOE1 (target of EGR1, exonuclease; plus strand), MUTYH (mutY DNA glycosylase; minus strand). Cytogenetic location: 1p34.1.
Variant type: Duplication.
Identifiers: ClinVar variation 583503 (VCV000583503.5).